The following is an entry in ClinVar:

NM_004183.4(BEST1):c.1013G>A (p.Trp338Ter)

Gene: BEST1 (bestrophin 1; plus strand). Cytogenetic location: 11q12.3.
Variant type: single nucleotide variant.
Coding change: c.1013G>A on transcript NM_004183.4 (MANE Select); coding-DNA position 1013, G replaced by A.
Protein change: p.Trp338Ter; replaces tryptophan 338 with a stop codon.
Molecular consequence: nonsense. On other transcripts: missense variant (1), non-coding transcript variant (1).
Genome position (GRCh38, 1-based): chr11:61,959,956, G>A. VCF-style: chr11-61959956-G-A. GRCh37 (hg19) VCF-style: chr11-61727428-G-A.
Other names: c.833G>A, p.Trp278Ter (NM_001139443.3, NM_001300787.2); c.752G>A, p.Trp251Ter (NM_001300786.2); c.695G>A, p.Trp232Ter (NM_001363591.3); c.1216G>A, p.Gly406Arg (NM_001363592.2); c.41G>A, p.Trp14Ter (NM_001363593.3); short protein forms G406R, W14*, W232*, W251*, W278*, W338*.
Identifiers: ClinVar variation 1709024 (VCV001709024.2), dbSNP rs2541400072, ClinGen allele CA380846204.

ClinVar aggregate classification (germline): Likely pathogenic (1 of 4 stars; one submission).

Conditions:
Autosomal recessive bestrophinopathy. Also called: Autosomal Recessive Bestrophinopathy (ARB). Identifiers: Orphanet 139455, MedGen C3888198, MONDO:0012733, OMIM 611809.

gnomAD v4.1: 2 of 1,612,840 alleles (0.00012%); highest among the groups gnomAD compares: South Asian, 0.0022%; no homozygotes.

Submission:

MGZ Medical Genetics Center
Classification: Likely pathogenic for Autosomal recessive bestrophinopathy. Last evaluated: 2022-02-24. Review status: criteria provided, single submitter. Criteria: ACMG Guidelines, 2015. Collection method: clinical testing. Allele origin: germline. Affected: yes. Observed: 1 variant allele.
Comment: ACMG criteria applied: PVS1, PM2_SUP